The following is an entry in ClinVar:

ClinVar aggregate classification (germline): Uncertain significance (1 of 4 stars; one submission).

Conditions:
Hereditary cancer-predisposing syndrome. Also called: Neoplastic Syndromes, Hereditary; Tumor predisposition; Hereditary Cancer Syndrome; Hereditary neoplastic syndrome. Identifiers: Orphanet 140162, MedGen C0027672, MeSH D009386, MONDO:0015356.

Submission:

Ambry Genetics
Classification: Uncertain significance for Hereditary cancer-predisposing syndrome. Last evaluated: 2026-05-18. Review status: criteria provided, single submitter. Criteria: Ambry Variant Classification Scheme 2023. Collection method: clinical testing. Allele origin: germline.
Comment: The p.S1162L variant (also known as c.3485C>T), located in coding exon 19 of the BRIP1 gene, results from a C to T substitution at nucleotide position 3485. The serine at codon 1162 is replaced by leucine, an amino acid with dissimilar properties. This amino acid position is conserved. In addition, this alteration is predicted to be tolerated by in silico analysis. Based on the available evidence, the clinical significance of this variant remains unclear.

NM_032043.3(BRIP1):c.3485C>T (p.Ser1162Leu)

Gene: BRIP1 (BRCA1 interacting DNA helicase 1; minus strand). Cytogenetic location: 17q23.2.
Variant type: single nucleotide variant.
Coding change: c.3485C>T on transcript NM_032043.3 (MANE Select); coding-DNA position 3485, C replaced by T.
Protein change: p.Ser1162Leu; replaces serine 1162 with leucine.
Molecular consequence: missense variant.
Genome position (GRCh38, 1-based): chr17:61,683,561, G>A on the plus strand (C>T on the coding strand, the complement: BRIP1 is on the minus strand). VCF-style: chr17-61683561-G-A. GRCh37 (hg19) VCF-style: chr17-59760922-G-A.
Other names: short protein forms S1162L.
Identifiers: ClinVar variation 4867932 (VCV004867932.1).